The following is an entry in ClinVar:

NM_152564.5(VPS13B):c.6160A>G (p.Ser2054Gly)

Gene: VPS13B (vacuolar protein sorting 13 homolog B; plus strand). Cytogenetic location: 8q22.2.
Variant type: single nucleotide variant.
Coding change: c.6160A>G on transcript NM_152564.5 (MANE Select); coding-DNA position 6160, A replaced by G.
Protein change: p.Ser2054Gly; replaces serine 2054 with glycine.
Molecular consequence: missense variant.
Genome position (GRCh38, 1-based): chr8:99,699,638, A>G. VCF-style: chr8-99699638-A-G. GRCh37 (hg19) VCF-style: chr8-100711866-A-G.
Other names: c.6235A>G, p.Ser2079Gly (NM_017890.5); short protein forms S2054G, S2079G.
Identifiers: ClinVar variation 3347506 (VCV003347506.1).

ClinVar aggregate classification (germline): Uncertain significance (0 of 4 stars; one submission).

Conditions:
VPS13B-related disorder. Also called: VPS13B-related condition.

Submission:

PreventionGenetics, part of Exact Sciences
Classification: Uncertain significance for VPS13B-related condition. Last evaluated: 2024-08-06. Review status: no assertion criteria provided. Collection method: clinical testing. Allele origin: germline.
Comment: The VPS13B c.6160A>G variant is predicted to result in the amino acid substitution p.Ser2054Gly. To our knowledge, this variant has not been reported in the literature or in a large population database, indicating this variant is rare. At this time, the clinical significance of this variant is uncertain due to the absence of conclusive functional and genetic evidence.